The following is an entry in ClinVar:

ClinVar aggregate classification (germline): Uncertain significance (1 of 4 stars; one submission).

Conditions:
Familial adenomatous polyposis 1 (FAP1). Also called: FAMILIAL ADENOMATOUS POLYPOSIS 1, ATTENUATED; POLYPOSIS, ADENOMATOUS INTESTINAL. Identifiers: MedGen C2713442, MONDO:0021056, OMIM 175100. Disease mechanism: loss of function.

Submission:

Labcorp Genetics (formerly Invitae), Labcorp
Classification: Uncertain significance for Familial adenomatous polyposis 1. Last evaluated: 2021-11-08. Review status: criteria provided, single submitter. Criteria: Invitae Variant Classification Sherloc (09022015). Collection method: clinical testing. Allele origin: germline.
Comment: In summary, the available evidence is currently insufficient to determine the role of this variant in disease. Therefore, it has been classified as a Variant of Uncertain Significance. Algorithms developed to predict the effect of missense changes on protein structure and function are either unavailable or do not agree on the potential impact of this missense change (SIFT: "Deleterious"; PolyPhen-2: "Possibly Damaging"; Align-GVGD: "Class C0"). This variant has not been reported in the literature in individuals affected with APC-related conditions. This variant is not present in population databases (gnomAD no frequency). This sequence change replaces glycine, which is neutral and non-polar, with aspartic acid, which is acidic and polar, at codon 2250 of the APC protein (p.Gly2250Asp).

NM_000038.6(APC):c.6749G>A (p.Gly2250Asp)

Gene: APC (APC regulator of Wnt signaling pathway; plus strand). Cytogenetic location: 5q22.2.
Variant type: single nucleotide variant.
Coding change: c.6749G>A on transcript NM_000038.6 (MANE Select); coding-DNA position 6749, G replaced by A.
Protein change: p.Gly2250Asp; replaces glycine 2250 with aspartic acid.
Molecular consequence: missense variant.
Genome position (GRCh38, 1-based): chr5:112,842,343, G>A. VCF-style: chr5-112842343-G-A. GRCh37 (hg19) VCF-style: chr5-112178040-G-A.
Other names: c.6749G>A, p.Gly2250Asp (NM_001127510.3, NM_001354895.2); c.6695G>A, p.Gly2232Asp (NM_001127511.3); c.6803G>A, p.Gly2268Asp (NM_001354896.2); c.6779G>A, p.Gly2260Asp (NM_001354897.2); c.6674G>A, p.Gly2225Asp (NM_001354898.2); c.6665G>A, p.Gly2222Asp (NM_001354899.2); c.6626G>A, p.Gly2209Asp (NM_001354900.2); c.6572G>A, p.Gly2191Asp (NM_001354901.2); and 5 more; short protein forms G2090D, G2149D, G2209D, G2124D, G2191D, G2260D, G1967D, G2222D.
Identifiers: ClinVar variation 1502413 (VCV001502413.6), dbSNP rs1247815306, ClinGen allele CA16036081.